The following is an entry in ClinVar:

NM_003190.5(TAPBP):c.1279T>C (p.Phe427Leu)

Gene: TAPBP (TAP binding protein; minus strand). Cytogenetic location: 6p21.32.
Variant type: single nucleotide variant.
Coding change: c.1279T>C on transcript NM_003190.5 (MANE Select); coding-DNA position 1279, T replaced by C.
Protein change: p.Phe427Leu; replaces phenylalanine 427 with leucine.
Molecular consequence: missense variant.
Genome position (GRCh38, 1-based): chr6:33,304,149, A>G on the plus strand (T>C on the coding strand, the complement: TAPBP is on the minus strand). VCF-style: chr6-33304149-A-G. GRCh37 (hg19) VCF-style: chr6-33271926-A-G.
Other names: c.1279T>C, p.Phe427Leu (NM_172208.3, NM_001410875.1); c.1018T>C, p.Phe340Leu (NM_172209.3); short protein forms F340L, F427L.
Identifiers: ClinVar variation 1722289 (VCV001722289.5), dbSNP rs2536713119, ClinGen allele CA363686903.

ClinVar aggregate classification (germline): Uncertain significance (1 of 4 stars; one submission).

Conditions:
MHC class I deficiency. Identifiers: Orphanet 34592, MedGen C6024714, MONDO:0011476.

Submission:

Labcorp Genetics (formerly Invitae), Labcorp
Classification: Uncertain significance for MHC class I deficiency 1. Last evaluated: 2022-07-21. Review status: criteria provided, single submitter. Criteria: Invitae Variant Classification Sherloc (09022015). Collection method: clinical testing. Allele origin: germline.
Comment: In summary, the available evidence is currently insufficient to determine the role of this variant in disease. Therefore, it has been classified as a Variant of Uncertain Significance. Algorithms developed to predict the effect of missense changes on protein structure and function output the following: SIFT: "Tolerated"; PolyPhen-2: "Benign"; Align-GVGD: "Class C0". The leucine amino acid residue is found in multiple mammalian species, which suggests that this missense change does not adversely affect protein function. This variant has not been reported in the literature in individuals affected with TAPBP-related conditions. This variant is not present in population databases (gnomAD no frequency). This sequence change replaces phenylalanine, which is neutral and non-polar, with leucine, which is neutral and non-polar, at codon 427 of the TAPBP protein (p.Phe427Leu).